The following is an entry in ClinVar:

NM_002292.4(LAMB2):c.2965A>G (p.Ser989Gly)

Gene: LAMB2 (laminin subunit beta 2; minus strand). Cytogenetic location: 3p21.31.
Variant type: single nucleotide variant.
Coding change: c.2965A>G on transcript NM_002292.4 (MANE Select); coding-DNA position 2965, A replaced by G.
Protein change: p.Ser989Gly; replaces serine 989 with glycine.
Molecular consequence: missense variant.
Genome position (GRCh38, 1-based): chr3:49,124,845, T>C on the plus strand (A>G on the coding strand, the complement: LAMB2 is on the minus strand). VCF-style: chr3-49124845-T-C. GRCh37 (hg19) VCF-style: chr3-49162278-T-C.
Other names: short protein forms S989G.
Identifiers: ClinVar variation 3751810 (VCV003751810.2).

ClinVar aggregate classification (germline): Uncertain significance (1 of 4 stars; one submission).

Conditions:
LAMB2-related infantile-onset nephrotic syndrome. Also called: NEPHROTIC SYNDROME, TYPE 5, WITHOUT OCULAR ABNORMALITIES; NEPHROTIC SYNDROME, TYPE 5, WITH OCULAR ABNORMALITIES; Nephrotic Syndrome, type 5. Identifiers: Orphanet 306507, MedGen C3280113, MONDO:0013621, OMIM 614199.
Pierson syndrome. Also called: MICROCORIA-CONGENITAL NEPHROTIC SYNDROME. Identifiers: Orphanet 2670, MedGen C1836876, MONDO:0012184, OMIM 609049.

gnomAD v4.1: 21 of 1,614,146 alleles (0.0013%); highest among the groups gnomAD compares: Admixed American, 0.0033%; no homozygotes.

Submission:

Labcorp Genetics (formerly Invitae), Labcorp
Classification: Uncertain significance for LAMB2-related infantile-onset nephrotic syndrome; Pierson syndrome. Last evaluated: 2024-10-19. Review status: criteria provided, single submitter. Criteria: Invitae Variant Classification Sherloc (09022015). Collection method: clinical testing. Allele origin: germline.
Comment: This sequence change replaces serine, which is neutral and polar, with glycine, which is neutral and non-polar, at codon 989 of the LAMB2 protein (p.Ser989Gly). This variant is present in population databases (rs766539657, gnomAD 0.006%). This variant has not been reported in the literature in individuals affected with LAMB2-related conditions. An algorithm developed to predict the effect of missense changes on protein structure and function (PolyPhen-2) suggests that this variant is likely to be tolerated. In summary, the available evidence is currently insufficient to determine the role of this variant in disease. Therefore, it has been classified as a Variant of Uncertain Significance.